The following is an entry in ClinVar:

NM_003482.4(KMT2D):c.6614C>T (p.Ala2205Val)

Gene: KMT2D (lysine methyltransferase 2D; minus strand). Cytogenetic location: 12q13.12.
Variant type: single nucleotide variant.
Coding change: c.6614C>T on transcript NM_003482.4 (MANE Select); coding-DNA position 6614, C replaced by T.
Protein change: p.Ala2205Val; replaces alanine 2205 with valine.
Molecular consequence: missense variant.
Genome position (GRCh38, 1-based): chr12:49,041,156, G>A on the plus strand (C>T on the coding strand, the complement: KMT2D is on the minus strand). VCF-style: chr12-49041156-G-A. GRCh37 (hg19) VCF-style: chr12-49434939-G-A.
Other names: short protein forms A2205V.
Identifiers: ClinVar variation 3865136 (VCV003865136.3).

ClinVar aggregate classification (germline): Uncertain significance. Review status: criteria provided, multiple submitters, no conflicts (2 of 4 stars). 3 submissions from 3 submitters: Uncertain significance (3). Last evaluated 2025-07-09.

Conditions:
Inborn genetic diseases. Identifiers: MedGen C0950123, MeSH D030342.
KMT2D-related disorder. Also called: KMT2D-Related Disorders.

gnomAD v4.1: 4 of 1,522,156 alleles (0.00026%); highest among the groups gnomAD compares: African/African-American, 0.0028%; no homozygotes.

Submissions (3):

PreventionGenetics, part of Exact Sciences
Classification: Uncertain significance for KMT2D-related condition. Last evaluated: 2025-07-09. Review status: criteria provided, single submitter. Criteria: ACMG Guidelines, 2015. Collection method: clinical testing. Allele origin: germline.
Comment: The KMT2D c.6614C>T variant is predicted to result in the amino acid substitution p.Ala2205Val. To our knowledge, this variant has not been reported in the literature or in a large population database (gnomAD), indicating this variant is rare. At this time, the clinical significance of this variant is uncertain due to the absence of conclusive functional and genetic evidence.

Ambry Genetics
Classification: Uncertain significance for Inborn genetic diseases. Last evaluated: 2025-01-09. Review status: criteria provided, single submitter. Criteria: Ambry Variant Classification Scheme 2023. Collection method: clinical testing. Allele origin: germline.

Blueprint Genetics
Classification: Uncertain significance. Last evaluated: 2023-03-06. Review status: criteria provided, single submitter. Criteria: ACMG Guidelines, 2015. Collection method: clinical testing. Allele origin: germline.